The following is an entry in ClinVar:

ClinVar aggregate classification (germline): Uncertain significance (1 of 4 stars; one submission).

gnomAD v4.1: 13 of 1,610,414 alleles (0.00081%); highest among the groups gnomAD compares: Non-Finnish European, 0.0011%; no homozygotes.

Submission:

Labcorp Genetics (formerly Invitae), Labcorp
Classification: Uncertain significance. Last evaluated: 2024-04-06. Review status: criteria provided, single submitter. Criteria: Invitae Variant Classification Sherloc (09022015). Collection method: clinical testing. Allele origin: germline.
Comment: This sequence change replaces valine, which is neutral and non-polar, with glutamic acid, which is acidic and polar, at codon 143 of the CEACAM16 protein (p.Val143Glu). This variant is present in population databases (no rsID available, gnomAD 0.0009%). This variant has not been reported in the literature in individuals affected with CEACAM16-related conditions. Advanced modeling of protein sequence and biophysical properties (such as structural, functional, and spatial information, amino acid conservation, physicochemical variation, residue mobility, and thermodynamic stability) performed at Invitae indicates that this missense variant is not expected to disrupt CEACAM16 protein function with a negative predictive value of 80%. In summary, the available evidence is currently insufficient to determine the role of this variant in disease. Therefore, it has been classified as a Variant of Uncertain Significance.

NM_001039213.4(CEACAM16):c.428T>A (p.Val143Glu)

Genes: CEACAM16 (CEA cell adhesion molecule 16, tectorial membrane component; plus strand), CEACAM16-AS1 (CEACAM16, CEACAM19 and PVR antisense RNA 1; minus strand). Cytogenetic location: 19q13.32.
Variant type: single nucleotide variant.
Coding change: c.428T>A on transcript NM_001039213.4 (MANE Select); coding-DNA position 428, T replaced by A.
Protein change: p.Val143Glu; replaces valine 143 with glutamic acid.
Molecular consequence: missense variant.
Genome position (GRCh38, 1-based): chr19:44,704,063, T>A. VCF-style: chr19-44704063-T-A. GRCh37 (hg19) VCF-style: chr19-45207333-T-A.
Other names: short protein forms V143E.
Identifiers: ClinVar variation 3696661 (VCV003696661.2).
Genomic context (GRCh38, chr19:44,704,063, plus strand): 5'-CTCTTGCCCCCACAGAGATCCTGGCCCAGCCCACAGTCTTGGCCAACAGCACAGCGCTGG[T>A]GGAACGTCGAGACACCCTGCGCCTTATGTGCAGCAGCCCCAGCCCCACCGCCGAGGTCCG-3'
Protein context (NP_001034302.2, residues 133-153): PTVLANSTAL[Val143Glu]ERRDTLRLMC